The following is an entry in ClinVar:

ClinVar aggregate classification (germline): Uncertain significance (1 of 4 stars; one submission).

Conditions:
Hypertrophic cardiomyopathy. Also called: HYPERTROPHIC MYOCARDIOPATHY. Identifiers: Orphanet 217569, MedGen C0007194, MeSH D002312, MONDO:0005045, HP:0001639.

Submission:

Labcorp Genetics (formerly Invitae), Labcorp
Classification: Uncertain significance for Hypertrophic cardiomyopathy. Last evaluated: 2024-12-04. Review status: criteria provided, single submitter. Criteria: Invitae Variant Classification Sherloc (09022015). Collection method: clinical testing. Allele origin: germline.
Comment: This sequence change replaces methionine, which is neutral and non-polar, with isoleucine, which is neutral and non-polar, at codon 1163 of the MYOM1 protein (p.Met1163Ile). This variant is not present in population databases (gnomAD no frequency). This variant has not been reported in the literature in individuals affected with MYOM1-related conditions. Invitae Evidence Modeling of protein sequence and biophysical properties (such as structural, functional, and spatial information, amino acid conservation, physicochemical variation, residue mobility, and thermodynamic stability) indicates that this missense variant is not expected to disrupt MYOM1 protein function with a negative predictive value of 80%. In summary, the available evidence is currently insufficient to determine the role of this variant in disease. Therefore, it has been classified as a Variant of Uncertain Significance.

NM_003803.4(MYOM1):c.3489G>A (p.Met1163Ile)

Gene: MYOM1 (myomesin 1; minus strand). Cytogenetic location: 18p11.31.
Variant type: single nucleotide variant.
Coding change: c.3489G>A on transcript NM_003803.4 (MANE Select); coding-DNA position 3489, G replaced by A.
Protein change: p.Met1163Ile; replaces methionine 1163 with isoleucine.
Molecular consequence: missense variant.
Genome position (GRCh38, 1-based): chr18:3,102,560, C>T on the plus strand (G>A on the coding strand, the complement: MYOM1 is on the minus strand). VCF-style: chr18-3102560-C-T. GRCh37 (hg19) VCF-style: chr18-3102558-C-T.
Other names: c.3201G>A, p.Met1067Ile (NM_019856.2); short protein forms M1067I, M1163I.
Identifiers: ClinVar variation 3625195 (VCV003625195.2).